The following is an entry in ClinVar:

ClinVar aggregate classification (germline): Uncertain significance (1 of 4 stars; one submission).

Conditions:
Retinitis pigmentosa 59 (RP59). Identifiers: Orphanet 791, MedGen C3151227, MONDO:0013468, OMIM 613861.

Allele frequency attached by ClinVar (database versions not stated): gnomAD exomes below 0.00001; gnomAD 0.00001; TOPMed 0.00002.
gnomAD v4.1: 4 of 1,614,112 alleles (0.00025%); highest among the groups gnomAD compares: Non-Finnish European, 0.00025%; no homozygotes.

Submission:

Labcorp Genetics (formerly Invitae), Labcorp
Classification: Uncertain significance for Retinitis pigmentosa 59. Last evaluated: 2023-12-11. Review status: criteria provided, single submitter. Criteria: Invitae Variant Classification Sherloc (09022015). Collection method: clinical testing. Allele origin: germline.
Comment: This sequence change replaces glutamic acid, which is acidic and polar, with glutamine, which is neutral and polar, at codon 8 of the DHDDS protein (p.Glu8Gln). This variant is not present in population databases (gnomAD no frequency). This variant has not been reported in the literature in individuals affected with DHDDS-related conditions. ClinVar contains an entry for this variant (Variation ID: 1524183). An algorithm developed to predict the effect of missense changes on protein structure and function (PolyPhen-2) suggests that this variant is likely to be tolerated. In summary, the available evidence is currently insufficient to determine the role of this variant in disease. Therefore, it has been classified as a Variant of Uncertain Significance.

NM_205861.3(DHDDS):c.22G>C (p.Glu8Gln)

Gene: DHDDS (dehydrodolichyl diphosphate synthase subunit; plus strand). Cytogenetic location: 1p36.11.
Variant type: single nucleotide variant.
Coding change: c.22G>C on transcript NM_205861.3 (MANE Select); coding-DNA position 22, G replaced by C.
Protein change: p.Glu8Gln; replaces glutamic acid 8 with glutamine.
Molecular consequence: missense variant. On other transcripts: 5 prime UTR variant (1).
Genome position (GRCh38, 1-based): chr1:26,432,967, G>C. VCF-style: chr1-26432967-G-C. GRCh37 (hg19) VCF-style: chr1-26759458-G-C.
Other names: c.22G>C, p.Glu8Gln (NM_001243564.2, NM_001243565.2, NM_024887.4); c.-281G>C (NM_001319959.2); short protein forms E8Q.
Identifiers: ClinVar variation 1524183 (VCV001524183.6), dbSNP rs1415428953, ClinGen allele CA339137037.